The following is an entry in ClinVar:

NM_001128.6(AP1G1):c.2026G>A (p.Ala676Thr)

Gene: AP1G1 (adaptor related protein complex 1 subunit gamma 1; minus strand). Cytogenetic location: 16q22.2.
Variant type: single nucleotide variant.
Coding change: c.2026G>A on transcript NM_001128.6 (MANE Select); coding-DNA position 2026, G replaced by A.
Protein change: p.Ala676Thr; replaces alanine 676 with threonine.
Molecular consequence: missense variant.
Genome position (GRCh38, 1-based): chr16:71,739,315, C>T on the plus strand (G>A on the coding strand, the complement: AP1G1 is on the minus strand). VCF-style: chr16-71739315-C-T. GRCh37 (hg19) VCF-style: chr16-71773218-C-T.
Other names: c.2035G>A, p.Ala679Thr (NM_001030007.2); short protein forms A679T, A676T.
Identifiers: ClinVar variation 2227636 (VCV002227636.2), dbSNP rs2045588446, ClinGen allele CA396663904.

ClinVar aggregate classification (germline): Uncertain significance (1 of 4 stars; one submission).

Conditions:
Inborn genetic diseases. Identifiers: MedGen C0950123, MeSH D030342.

gnomAD v4.1: 1 of 1,608,256 alleles (0.000062%); highest among the groups gnomAD compares: East Asian, 0.0022%; no homozygotes.

Submission:

Ambry Genetics
Classification: Uncertain significance for Inborn genetic diseases. Last evaluated: 2022-03-10. Review status: criteria provided, single submitter. Criteria: Ambry Variant Classification Scheme 2023. Collection method: clinical testing. Allele origin: germline.
Comment: The c.2035G>A (p.A679T) alteration is located in exon 21 (coding exon 20) of the AP1G1 gene. This alteration results from a G to A substitution at nucleotide position 2035, causing the alanine (A) at amino acid position 679 to be replaced by a threonine (T). This variant was not reported in population-based cohorts in the Genome Aggregation Database (gnomAD). This amino acid position is not well conserved in available vertebrate species. This alteration is predicted to be tolerated by in silico analysis. Based on insufficient or conflicting evidence, the clinical significance of this alteration remains unclear.